The following is an entry in ClinVar:

NM_000016.6(ACADM):c.2T>G (p.Met1Arg)

Gene: ACADM (acyl-CoA dehydrogenase medium chain; plus strand). Cytogenetic location: 1p31.1.
Variant type: single nucleotide variant.
Coding change: c.2T>G on transcript NM_000016.6 (MANE Select); coding-DNA position 2, T replaced by G.
Protein change: p.Met1Arg; changes the start codon (methionine 1).
Molecular consequence: missense variant, initiator codon variant. On other transcripts: 5 prime UTR variant (2).
Genome position (GRCh38, 1-based): chr1:75,724,789, T>G. VCF-style: chr1-75724789-T-G. GRCh37 (hg19) VCF-style: chr1-76190474-T-G.
Other names: c.2T>G, p.Met1Arg (NM_001127328.3, NM_001286043.2); c.-19T>G (NM_001286042.2); c.-296T>G (NM_001286044.2); short protein forms M1R.
Identifiers: ClinVar variation 2733904 (VCV002733904.3), dbSNP rs1280148041, ClinGen allele CA340805654.

ClinVar aggregate classification (germline): Pathogenic (1 of 4 stars; one submission).

Conditions:
Medium-chain acyl-coenzyme A dehydrogenase deficiency (ACADMD). Also called: CARNITINE DEFICIENCY SECONDARY TO MEDIUM-CHAIN ACYL-CoA DEHYDROGENASE DEFICIENCY; MCADD; Medium chain acyl-CoA dehydrogenase deficiency; MCADH DEFICIENCY; MCAD Deficiency; ACADM DEFICIENCY. Identifiers: Orphanet 42, MedGen C0220710, MONDO:0008721, OMIM 201450.

Submission:

Labcorp Genetics (formerly Invitae), Labcorp
Classification: Pathogenic for Medium-chain acyl-coenzyme A dehydrogenase deficiency. Last evaluated: 2023-09-17. Review status: criteria provided, single submitter. Criteria: Invitae Variant Classification Sherloc (09022015). Collection method: clinical testing. Allele origin: germline.
Comment: This sequence change affects the initiator methionine of the ACADM mRNA. The next in-frame methionine is located at codon 87. This variant is not present in population databases (gnomAD no frequency). Disruption of the initiator codon has been observed in individual(s) with medium-chain acyl-coenzyme A dehydrogenase deficiency (PMID: 23028790, 30675864). In at least one individual the data is consistent with being in trans (on the opposite chromosome) from a pathogenic variant. For these reasons, this variant has been classified as Pathogenic.

Literature cited by the submitters: PubMed 23028790; PubMed 30675864.